The following is an entry in ClinVar:

NM_001267550.2(TTN):c.57243T>A (p.Ile19081=)

Genes: TTN (titin; minus strand), TTN-AS1 (TTN antisense RNA 1; plus strand). Cytogenetic location: 2q31.2.
Variant type: single nucleotide variant.
Coding change: c.57243T>A on transcript NM_001267550.2 (MANE Select); coding-DNA position 57243, T replaced by A.
Protein change: p.Ile19081=; no amino-acid change (isoleucine 19081 retained).
Molecular consequence: synonymous variant.
Genome position (GRCh38, 1-based): chr2:178,597,927, A>T on the plus strand (T>A on the coding strand, the complement: TTN is on the minus strand). VCF-style: chr2-178597927-A-T. GRCh37 (hg19) VCF-style: chr2-179462654-A-T.
Other names: c.52320T>A, p.Ile17440= (NM_001256850.1); c.30048T>A, p.Ile10016= (NM_003319.4); c.49539T>A, p.Ile16513= (NM_133378.4); c.30423T>A, p.Ile10141= (NM_133432.3); c.30624T>A, p.Ile10208= (NM_133437.4).
Identifiers: ClinVar variation 597207 (VCV000597207.20), dbSNP rs1185555417, ClinGen allele CA430097218.
Genomic context (GRCh38, chr2:178,597,927, plus strand): 5'-AAACATAAATACTGATGGCATAAGGAAGGATTGATAATTACCAAGTCTGTCCTTCATTTC[A>T]ATGACATCTGTGACCTCTCCAGGTTCTCCAATGCCAGCAATGTTGACTGCTCTAACTCTA-3'
Protein context (NP_001254479.2, residues 19071-19091): IGEPGEVTDV[Ile19081=]EMKDRLVSPD

ClinVar aggregate classification (germline): Conflicting classifications of pathogenicity. Review status: criteria provided, conflicting classifications (1 of 4 stars). 6 submissions from 6 submitters: Uncertain significance (2); Likely benign (4). Last evaluated 2026-09-01.

Conditions:
Cardiovascular phenotype. Identifiers: MedGen CN230736.
Dilated cardiomyopathy 1G (CMD1G). Identifiers: Orphanet 154, MedGen C1858763, MONDO:0011400, OMIM 604145.
Autosomal recessive limb-girdle muscular dystrophy type 2J (LGMDR10). Also called: Limb-girdle muscular dystrophy, type 2J; MUSCULAR DYSTROPHY, LIMB-GIRDLE, AUTOSOMAL RECESSIVE 10. Identifiers: Orphanet 140922, MedGen C1837342, MONDO:0012127, OMIM 608807.

Allele frequency attached by ClinVar (database versions not stated): gnomAD 0.00001; TOPMed 0.00001; gnomAD exomes 0.00002 and 0.00005.
gnomAD v4.1: 71 of 1,613,168 alleles (0.0044%); highest among the groups gnomAD compares: Non-Finnish European, 0.0059%; no homozygotes.

Submissions (6):

CeGaT Center for Human Genetics Tuebingen
Classification: Uncertain significance. Last evaluated: 2026-09-01. Review status: criteria provided, single submitter. Criteria: CeGaT Center For Human Genetics Tuebingen Variant Classification Criteria Version 2. Collection method: clinical testing. Allele origin: germline. Affected: yes. Observed: 1 variant allele.
Comment: TTN: PM2:Supporting, BP4

Labcorp Genetics (formerly Invitae), Labcorp
Classification: Likely benign for Dilated cardiomyopathy 1G; Autosomal recessive limb-girdle muscular dystrophy type 2J. Last evaluated: 2026-01-12. Review status: criteria provided, single submitter. Criteria: Invitae Variant Classification Sherloc (09022015). Collection method: clinical testing. Allele origin: germline.

Molecular Diagnostic Laboratory for Inherited Cardiovascular Disease, Montreal Heart Institute
Classification: Likely benign. Last evaluated: 2025-04-09. Review status: criteria provided, single submitter. Criteria: ACMG Guidelines, 2015. Collection method: clinical testing. Allele origin: germline. Affected: no.

Ambry Genetics
Classification: Likely benign for Cardiovascular phenotype. Last evaluated: 2022-05-16. Review status: criteria provided, single submitter. Criteria: Ambry Variant Classification Scheme 2023. Collection method: clinical testing. Allele origin: germline.

Women's Health and Genetics/Laboratory Corporation of America, LabCorp
Classification: Likely benign. Last evaluated: 2021-07-18. Review status: criteria provided, single submitter. Criteria: LabCorp Variant Classification Summary - May 2015. Collection method: clinical testing. Allele origin: germline.

Eurofins Ntd Llc (ga)
Classification: Uncertain significance. Last evaluated: 2018-05-22. Review status: criteria provided, single submitter. Criteria: EGL ClinVar v180209 classification definitions. Collection method: clinical testing. Allele origin: germline. Observed: 1 variant allele, 1 heterozygote.